The following is an entry in ClinVar:

NM_001099851.3(PRAMEF17):c.901T>A (p.Cys301Ser)

Gene: PRAMEF17 (PRAME family member 17; plus strand). Cytogenetic location: 1p36.21.
Variant type: single nucleotide variant.
Coding change: c.901T>A on transcript NM_001099851.3 (MANE Select); coding-DNA position 901, T replaced by A.
Protein change: p.Cys301Ser; replaces cysteine 301 with serine.
Molecular consequence: missense variant.
Genome position (GRCh38, 1-based): chr1:13,391,978, T>A. VCF-style: chr1-13391978-T-A. GRCh37 (hg19) VCF-style: chr1-13718438-T-A.
Other names: short protein forms C301S.
Identifiers: ClinVar variation 2638284 (VCV002638284.24), dbSNP rs200944640, ClinGen allele CA609131.
Genomic context (GRCh38, chr1:13,391,978, plus strand): 5'-CATAACTAATTTCTTGCTCTCCCCAGGTGCCTCAAGAACCCCTTGGGAACCTTTATATTC[T>A]GTCATGCTTACCTAGCTGATCAGGACATGGAGTGTCTGTCTCAGTACCCAAGCCTCAGTC-3'
Protein context (NP_001093321.1, residues 291-311): LKNPLGTFIF[Cys301Ser]HAYLADQDME

ClinVar aggregate classification (germline): Likely benign (1 of 4 stars; one submission).

Allele frequency attached by ClinVar (database versions not stated): ExAC 0.00037; gnomAD exomes 0.00052; 1000 Genomes Project 0.00060; 1000 Genomes Project 30x 0.00062; gnomAD 0.00074; TOPMed 0.00092.

Submission:

CeGaT Center for Human Genetics Tuebingen
Classification: Likely benign. Last evaluated: 2022-11-01. Review status: criteria provided, single submitter. Criteria: CeGaT Center For Human Genetics Tuebingen Variant Classification Criteria Version 2. Collection method: clinical testing. Allele origin: germline. Affected: yes. Observed: 1 variant allele.
Comment: PRAMEF17: BP4, BS2